The following is an entry in ClinVar:

ClinVar aggregate classification (germline): Uncertain significance. Review status: criteria provided, multiple submitters, no conflicts (2 of 4 stars). 5 submissions from 5 submitters: Uncertain significance (4). 1 of the submissions does not count toward it. Last evaluated 2023-03-28.

Conditions:
Mucopolysaccharidosis, MPS-III-C (MPS3C). Also called: SANFILIPPO SYNDROME C; mucopolysaccharidosis type 3C; Mucopolysaccharidosis type IIIC (Sanfilippo C); MPS IIIC (Sanfilippo Syndrome Type C); MUCOPOLYSACCHARIDOSIS, TYPE IIIC; MPS III C. Identifiers: Orphanet 581, Orphanet 79271, MedGen C0086649, MONDO:0009657, OMIM 252930.
Retinitis pigmentosa 73 (RP73). Identifiers: Orphanet 791, MedGen C4225287, MONDO:0014687, OMIM 616544.
Inborn genetic diseases. Identifiers: MedGen C0950123, MeSH D030342.

Allele frequency attached by ClinVar (database versions not stated): gnomAD exomes 0.00007; ExAC 0.00007; TOPMed 0.00013; ESP Exome Variant Server 0.00016; gnomAD 0.00010.
gnomAD v4.1: 125 of 1,613,878 alleles (0.0077%); highest among the groups gnomAD compares: Non-Finnish European, 0.01%; no homozygotes.

Submissions (5):

Blueprint Genetics
Classification: Uncertain significance. Last evaluated: 2023-03-28. Review status: criteria provided, single submitter. Criteria: ACMG Guidelines, 2015. Collection method: clinical testing. Allele origin: germline.

Labcorp Genetics (formerly Invitae), Labcorp
Classification: Uncertain significance for Retinitis pigmentosa 73; Mucopolysaccharidosis, MPS-III-C. Last evaluated: 2022-07-16. Review status: criteria provided, single submitter. Criteria: Invitae Variant Classification Sherloc (09022015). Collection method: clinical testing. Allele origin: germline.
Comment: This sequence change replaces leucine, which is neutral and non-polar, with methionine, which is neutral and non-polar, at codon 410 of the HGSNAT protein (p.Leu410Met). This variant is present in population databases (rs367831580, gnomAD 0.01%). This variant has not been reported in the literature in individuals affected with HGSNAT-related conditions. ClinVar contains an entry for this variant (Variation ID: 852014). Advanced modeling of protein sequence and biophysical properties (such as structural, functional, and spatial information, amino acid conservation, physicochemical variation, residue mobility, and thermodynamic stability) performed at Invitae indicates that this missense variant is not expected to disrupt HGSNAT protein function. In summary, the available evidence is currently insufficient to determine the role of this variant in disease. Therefore, it has been classified as a Variant of Uncertain Significance.

Ambry Genetics
Classification: Uncertain significance for Inborn genetic diseases. Last evaluated: 2022-01-19. Review status: criteria provided, single submitter. Criteria: Ambry Variant Classification Scheme 2023. Collection method: clinical testing. Allele origin: germline.

New York Genome Center
Classification: Uncertain significance for Mucopolysaccharidosis, MPS-III-C. Last evaluated: 2020-07-25. Review status: criteria provided, single submitter. Criteria: NYGC Assertion Criteria 2020. Collection method: clinical testing. Allele origin: germline. Inheritance: Autosomal recessive inheritance. Observed: 1 heterozygote. Study: CSER-NYCKidSeq.

Natera, Inc.
Classification: Uncertain significance for Mucopolysaccharidosis type IIIC. Last evaluated: 2020-03-20. Review status: no assertion criteria provided. Collection method: clinical testing. Allele origin: germline. Not counted in ClinVar's aggregate classification.

NM_152419.3(HGSNAT):c.1228C>A (p.Leu410Met)

Gene: HGSNAT (heparan-alpha-glucosaminide N-acetyltransferase; plus strand). Cytogenetic location: 8p11.21.
Variant type: single nucleotide variant.
Coding change: c.1228C>A on transcript NM_152419.3 (MANE Select); coding-DNA position 1228, C replaced by A.
Protein change: p.Leu410Met; replaces leucine 410 with methionine.
Molecular consequence: missense variant.
Genome position (GRCh38, 1-based): chr8:43,191,573, C>A. VCF-style: chr8-43191573-C-A. GRCh37 (hg19) VCF-style: chr8-43046716-C-A.
Other names: c.1228C>A, p.Leu410Met (NM_001363227.2); c.1036C>A, p.Leu346Met (NM_001363228.2); c.364C>A, p.Leu122Met (NM_001363229.2); short protein forms L346M, L410M, L122M.
Identifiers: ClinVar variation 852014 (VCV000852014.9), dbSNP rs367831580, ClinGen allele CA4736809.